The following is an entry in ClinVar:

NM_002016.2(FLG):c.7264G>T (p.Glu2422Ter)

Genes: CCDST (cervical cancer associated DHX9 suppressive transcript; plus strand), FLG (filaggrin; minus strand). Cytogenetic location: 1q21.3.
Variant type: single nucleotide variant.
Coding change: c.7264G>T on transcript NM_002016.2 (MANE Select); coding-DNA position 7264, G replaced by T.
Protein change: p.Glu2422Ter; replaces glutamic acid 2422 with a stop codon.
Molecular consequence: nonsense.
Genome position (GRCh38, 1-based): chr1:152,307,622, C>A on the plus strand (G>T on the coding strand, the complement: FLG is on the minus strand). VCF-style: chr1-152307622-C-A. GRCh37 (hg19) VCF-style: chr1-152280098-C-A.
Other names: short protein forms E2422*.
Identifiers: ClinVar variation 265477 (VCV000265477.12), dbSNP rs374588791, ClinGen allele CA1104824.

ClinVar aggregate classification (germline): Conflicting classifications of pathogenicity. Review status: criteria provided, conflicting classifications (1 of 4 stars). 5 submissions from 5 submitters: Pathogenic (3); Likely pathogenic (1); Uncertain significance (1). Last evaluated 2026-02-27.

Conditions:
Congenital portosystemic shunt. Identifiers: Orphanet 480531, MedGen C1290495, MONDO:0018811.
Dermatitis, atopic, 2. Identifiers: MedGen C1853965, MONDO:0011596, OMIM 605803.
Ichthyosis vulgaris. Also called: Dominant ichthyosis vulgaris; ICHTHYOSIS SIMPLEX. Identifiers: MedGen C0079584, MONDO:0024304, OMIM 146700.

Allele frequency attached by ClinVar (database versions not stated): gnomAD 0.00006; TOPMed 0.00013; 1000 Genomes Project 0.00100; 1000 Genomes Project 30x 0.00109.
gnomAD v4.1: 99 of 1,613,684 alleles (0.0061%); highest among the groups gnomAD compares: East Asian, 0.21%; no homozygotes.

Submissions (5):

Department of Pediatrics, Graduate School of Medical Sciences, Kyushu University
Classification: Uncertain significance for Congenital portosystemic shunt. Last evaluated: 2026-02-27. Review status: criteria provided, single submitter. Criteria: ACMG Guidelines, 2015. Collection method: research. Allele origin: germline. Affected: yes.
Comment: The variant is rare in population databases. Although loss-of-function variants in this gene have been reported in other disorders, an association between this gene and CPSS has not been established. Therefore, the clinical significance of this variant in relation to CPSS is currently classified as a variant of uncertain significance (VUS).

Genome-Nilou Lab
Classification: Pathogenic for Ichthyosis vulgaris. Last evaluated: 2023-04-11. Review status: criteria provided, single submitter. Criteria: ACMG Guidelines, 2015. Collection method: clinical testing. Allele origin: germline. Affected: no.

Mendelics
Classification: Pathogenic for Ichthyosis vulgaris. Last evaluated: 2022-05-04. Review status: criteria provided, single submitter. Criteria: Mendelics Assertion Criteria 2019. Collection method: clinical testing. Allele origin: germline.

GeneDx
Classification: Pathogenic. Last evaluated: 2022-04-19. Review status: criteria provided, single submitter. Criteria: GeneDx Variant Classification Process June 2021. Collection method: clinical testing. Allele origin: germline. Affected: yes.
Comment: Nonsense variant in the C-terminus predicted to result in protein truncation, as the last 1640 amino acids are lost, and other loss-of-function variants have been reported downstream in the Human Gene Mutation Database (HGMD); This variant is associated with the following publications: (PMID: 17417636, 18239616, 20222934)

Juno Genomics, Hangzhou Juno Genomics, Inc
Classification: Likely pathogenic for Dermatitis, atopic, 2; Ichthyosis vulgaris. Review status: criteria provided, single submitter. Criteria: ACMG Guidelines, 2015. Collection method: clinical testing. Allele origin: germline.
Comment: Null variant in a gene where loss of function (LOF) is a known mechanism of disease.;The prevalence of the variant in affected individuals is significantly increased compared to the prevalence in controls.;Co-segregation with disease in multiple affected family members.;Patient's phenotype or family history is highly specific for a disease with a single genetic etiology.